The following is an entry in ClinVar:

NM_001005242.3(PKP2):c.1204C>T (p.Gln402Ter)

Gene: PKP2 (plakophilin 2; minus strand). Cytogenetic location: 12p11.21.
Variant type: single nucleotide variant.
Coding change: c.1204C>T on transcript NM_001005242.3 (MANE Select); coding-DNA position 1204, C replaced by T.
Protein change: p.Gln402Ter; replaces glutamine 402 with a stop codon.
Molecular consequence: nonsense.
Genome position (GRCh38, 1-based): chr12:32,850,940, G>A on the plus strand (C>T on the coding strand, the complement: PKP2 is on the minus strand). VCF-style: chr12-32850940-G-A. GRCh37 (hg19) VCF-style: chr12-33003874-G-A.
Other names: c.1204C>T, p.Gln402Ter (NM_001407155.1, NM_001407156.1, NM_001407157.1 and 2 more transcripts); c.877C>T, p.Gln293Ter (NM_001407158.1, NM_001407159.1, NM_001407160.1 and 1 more transcripts); short protein forms Q293*, Q402*.
Identifiers: ClinVar variation 2032119 (VCV002032119.4), dbSNP rs2541286911, ClinGen allele CA384370873.

ClinVar aggregate classification (germline): Pathogenic (1 of 4 stars; one submission).

Conditions:
Arrhythmogenic right ventricular dysplasia 9 (ARVD9). Also called: ARRHYTHMOGENIC RIGHT VENTRICULAR DYSPLASIA, FAMILIAL, 9; Arrhythmogenic Right Ventricular Dysplasia/Cardiomyopathy 9. Identifiers: MedGen C1836906, MONDO:0012180, OMIM 609040.

Submission:

Labcorp Genetics (formerly Invitae), Labcorp
Classification: Pathogenic for Arrhythmogenic right ventricular dysplasia 9. Last evaluated: 2025-09-25. Review status: criteria provided, single submitter. Criteria: Invitae Variant Classification Sherloc (09022015). Collection method: clinical testing. Allele origin: germline.
Comment: This sequence change creates a premature translational stop signal (p.Gln402*) in the PKP2 gene. It is expected to result in an absent or disrupted protein product. Loss-of-function variants in PKP2 are known to be pathogenic (PMID: 15489853, 17041889, 23911551). This variant is not present in population databases (gnomAD no frequency). This variant has not been reported in the literature in individuals affected with PKP2-related conditions. ClinVar contains an entry for this variant (Variation ID: 2032119). For these reasons, this variant has been classified as Pathogenic.

Literature cited by the submitters: PubMed 15489853; PubMed 17041889; PubMed 23911551.